The following is an entry in ClinVar:

ClinVar aggregate classification (germline): Uncertain significance (1 of 4 stars; one submission).

Submission:

ISCA site 14
Classification: Uncertain significance. Last evaluated: 2011-08-12. Review status: criteria provided, single submitter. Criteria: Kaminsky et al. (Genet Med. 2011). Collection method: clinical testing. Allele origin: unknown. Affected: yes. Observed: 1 variant allele.
Comment: Copy number variation identified through the course of routine clinical cytogenomic testing in postnatal populations. Clinical assertions have been curated as described in Kaminsky et al. 2011.

GRCh38/hg38 3p24.1(chr3:30623003-30656356)x3

Gene: TGFBR2 (transforming growth factor beta receptor 2; plus strand). Cytogenetic location: 3p24.1.
Variant type: copy number gain.
Change: copy number 3 (three copies instead of two) of chr3:30,623,003-30,656,356 (33.4 kb, GRCh38 coordinates, 1-based), cytogenetic band 3p24.1.
Identifiers: ClinVar variation 57725 (VCV000057725.1).